The following is an entry in ClinVar:

ClinVar aggregate classification (germline): Conflicting classifications of pathogenicity. Review status: criteria provided, conflicting classifications (1 of 4 stars). 2 submissions from 2 submitters: Uncertain significance (1); Likely benign (1). Last evaluated 2022-06-22.

Allele frequency attached by ClinVar (database versions not stated): gnomAD exomes below 0.00001.

Submissions (2):

Labcorp Genetics (formerly Invitae), Labcorp
Classification: Uncertain significance. Last evaluated: 2022-06-22. Review status: criteria provided, single submitter. Criteria: Invitae Variant Classification Sherloc (09022015). Collection method: clinical testing. Allele origin: germline.
Comment: In summary, the available evidence is currently insufficient to determine the role of this variant in disease. Therefore, it has been classified as a Variant of Uncertain Significance. Algorithms developed to predict the effect of missense changes on protein structure and function output the following: SIFT: "Tolerated"; PolyPhen-2: "Benign"; Align-GVGD: "Class C0". The glycine amino acid residue is found in multiple mammalian species, which suggests that this missense change does not adversely affect protein function. This variant has not been reported in the literature in individuals affected with HPS6-related conditions. This variant is not present in population databases (gnomAD no frequency). This sequence change replaces serine, which is neutral and polar, with glycine, which is neutral and non-polar, at codon 160 of the HPS6 protein (p.Ser160Gly).

Blueprint Genetics
Classification: Likely benign. Last evaluated: 2021-06-23. Review status: criteria provided, single submitter. Criteria: ACMG Guidelines, 2015. Collection method: clinical testing. Allele origin: germline.

NM_024747.6(HPS6):c.478A>G (p.Ser160Gly)

Gene: HPS6 (HPS6 biogenesis of lysosomal organelles complex 2 subunit 3; plus strand). Cytogenetic location: 10q24.32.
Variant type: single nucleotide variant.
Coding change: c.478A>G on transcript NM_024747.6 (MANE Select); coding-DNA position 478, A replaced by G.
Protein change: p.Ser160Gly; replaces serine 160 with glycine.
Molecular consequence: missense variant.
Genome position (GRCh38, 1-based): chr10:102,065,952, A>G. VCF-style: chr10-102065952-A-G. GRCh37 (hg19) VCF-style: chr10-103825709-A-G.
Other names: short protein forms S160G.
Identifiers: ClinVar variation 2007229 (VCV002007229.5), dbSNP rs2540986719, ClinGen allele CA377857555.